The following is an entry in ClinVar:

ClinVar aggregate classification (germline): Uncertain significance (1 of 4 stars; one submission).

Allele frequency attached by ClinVar (database versions not stated): TOPMed below 0.00001; gnomAD 0.00001.
gnomAD v4.1: 3 of 1,610,582 alleles (0.00019%); highest among the groups gnomAD compares: African/African-American, 0.0027%; no homozygotes.

Submission:

GeneDx
Classification: Uncertain significance. Last evaluated: 2022-07-28. Review status: criteria provided, single submitter. Criteria: GeneDx Variant Classification Process June 2021. Collection method: clinical testing. Allele origin: germline. Affected: yes.
Comment: Not observed at significant frequency in large population cohorts (gnomAD); In silico analysis supports that this missense variant has a deleterious effect on protein structure/function; Not located within exons 24-33, where the majority of pathogenic variants reported to date occur (Callewaert et al., 2009, Frederic et al., 2009); Does not occur within a calcium-binding-EGF-like domain (Callewaert et al., 2009, Frederic et al., 2009); Has not been previously published as pathogenic or benign to our knowledge; This variant is associated with the following publications: (PMID: 18767143, 19006240)

NM_001999.4(FBN2):c.245T>G (p.Val82Gly)

Gene: FBN2 (fibrillin 2; minus strand). Cytogenetic location: 5q23.3.
Variant type: single nucleotide variant.
Coding change: c.245T>G on transcript NM_001999.4 (MANE Select); coding-DNA position 245, T replaced by G.
Protein change: p.Val82Gly; replaces valine 82 with glycine.
Molecular consequence: missense variant.
Genome position (GRCh38, 1-based): chr5:128,537,359, A>C on the plus strand (T>G on the coding strand, the complement: FBN2 is on the minus strand). VCF-style: chr5-128537359-A-C. GRCh37 (hg19) VCF-style: chr5-127873052-A-C.
Other names: short protein forms V82G.
Identifiers: ClinVar variation 2413069 (VCV002413069.3), dbSNP rs1235527803, ClinGen allele CA360761797.